The following is an entry in ClinVar:

NM_005026.5(PIK3CD):c.955C>G (p.Leu319Val)

Gene: PIK3CD (phosphatidylinositol-4,5-bisphosphate 3-kinase catalytic subunit delta; plus strand). Cytogenetic location: 1p36.22.
Variant type: single nucleotide variant.
Coding change: c.955C>G on transcript NM_005026.5 (MANE Select); coding-DNA position 955, C replaced by G.
Protein change: p.Leu319Val; replaces leucine 319 with valine.
Molecular consequence: missense variant.
Genome position (GRCh38, 1-based): chr1:9,717,561, C>G. VCF-style: chr1-9717561-C-G. GRCh37 (hg19) VCF-style: chr1-9777619-C-G.
Other names: c.955C>G, p.Leu319Val (NM_001350234.2); c.868C>G, p.Leu290Val (NM_001350235.1); short protein forms L319V, L290V.
Identifiers: ClinVar variation 3686980 (VCV003686980.2).

ClinVar aggregate classification (germline): Uncertain significance (1 of 4 stars; one submission).

Conditions:
Immunodeficiency 14 (IMD14A). Also called: IMMUNODEFICIENCY 14A WITH LYMPHOPROLIFERATION, AUTOSOMAL DOMINANT; p110-DELTA-ACTIVATING MUTATION CAUSING SENESCENT T CELLS, LYMPHADENOPATHY, AND IMMUNODEFICIENCY; ACTIVATED PI3K-DELTA SYNDROME 1; Activated PI3K Delta Syndrome Type 1 (APDS1). Identifiers: Orphanet 397596, Orphanet 693661, MedGen C5907821, MONDO:0014222, OMIM 615513.

gnomAD v4.1: 2 of 1,614,086 alleles (0.00012%); highest among the groups gnomAD compares: Admixed American, 0.0017%; no homozygotes.

Submission:

Labcorp Genetics (formerly Invitae), Labcorp
Classification: Uncertain significance for Activated PI3K-delta syndrome. Last evaluated: 2024-08-27. Review status: criteria provided, single submitter. Criteria: Invitae Variant Classification Sherloc (09022015). Collection method: clinical testing. Allele origin: germline.
Comment: This sequence change replaces leucine, which is neutral and non-polar, with valine, which is neutral and non-polar, at codon 319 of the PIK3CD protein (p.Leu319Val). This variant is present in population databases (no rsID available, gnomAD 0.003%). This variant has not been reported in the literature in individuals affected with PIK3CD-related conditions. Invitae Evidence Modeling of protein sequence and biophysical properties (such as structural, functional, and spatial information, amino acid conservation, physicochemical variation, residue mobility, and thermodynamic stability) indicates that this missense variant is not expected to disrupt PIK3CD protein function with a negative predictive value of 80%. In summary, the available evidence is currently insufficient to determine the role of this variant in disease. Therefore, it has been classified as a Variant of Uncertain Significance.